The following is an entry in ClinVar:

NM_000138.5(FBN1):c.7139dup (p.Gln2381fs)

Gene: FBN1 (fibrillin 1; minus strand). Cytogenetic location: 15q21.1.
Variant type: Duplication.
Coding change: c.7139dup on transcript NM_000138.5 (MANE Select); coding-DNA position 7139, one base duplicated (T; older notation c.7139dupT).
Protein change: p.Gln2381fs; shifts the reading frame from glutamine 2381.
Molecular consequence: frameshift variant.
Genome position (GRCh38, 1-based): chr15:48,427,632, A duplicated on the plus strand (T on the coding strand, the reverse complement: FBN1 is on the minus strand); the first of 3 consecutive A bases (chr15:48,427,632-48,427,634); duplicating any one gives the same sequence. VCF-style (leftmost placement, unchanged base first): chr15-48427631-G-GA. GRCh37 (hg19) VCF-style: chr15-48719828-G-GA.
Other names: short protein forms Q2381fs.
Identifiers: ClinVar variation 1417637 (VCV001417637.6), dbSNP rs1555394561, ClinGen allele CA2573150951.

ClinVar aggregate classification (germline): Pathogenic (1 of 4 stars; one submission).

Conditions:
Marfan syndrome (MFS). Also called: MARFAN SYNDROME, TYPE I; Marfan syndrome type 1; Marfan's syndrome; Marfan syndrome, classic; FBN1-Related Marfan Syndrome. Identifiers: Orphanet 284963, Orphanet 558, MedGen C0024796, MONDO:0007947, OMIM 154700.
Familial thoracic aortic aneurysm and aortic dissection (TAAD). Also called: Thoracic aortic aneurysms and dissections. Identifiers: Orphanet 91387, MedGen C4707243, MONDO:0019625.

Submission:

Labcorp Genetics (formerly Invitae), Labcorp
Classification: Pathogenic for Marfan syndrome; Familial thoracic aortic aneurysm and aortic dissection. Last evaluated: 2021-08-15. Review status: criteria provided, single submitter. Criteria: Invitae Variant Classification Sherloc (09022015). Collection method: clinical testing. Allele origin: germline.
Comment: This sequence change creates a premature translational stop signal (p.Gln2381Profs*25) in the FBN1 gene. It is expected to result in an absent or disrupted protein product. Loss-of-function variants in FBN1 are known to be pathogenic (PMID: 17657824, 19293843). This variant is not present in population databases (ExAC no frequency). This premature translational stop signal has been observed in individual(s) with Marfan syndrome (Invitae). For these reasons, this variant has been classified as Pathogenic.

Literature cited by the submitters: PubMed 17657824; PubMed 19293843.